The following is an entry in ClinVar:

NC_000010.10:g.(?_75863568)_(75865121_?)del

Gene: VCL (vinculin; plus strand). Cytogenetic location: 10q22.2.
Variant type: Deletion.
Identifiers: ClinVar variation 1062674 (VCV001062674.2).

ClinVar aggregate classification (germline): Uncertain significance (1 of 4 stars; one submission).

Conditions:
Dilated cardiomyopathy 1W (CMD1W). Identifiers: Orphanet 154, MedGen C1969639, MONDO:0012667, OMIM 611407.

Submission:

Labcorp Genetics (formerly Invitae), Labcorp
Classification: Uncertain significance for Dilated cardiomyopathy 1W. Last evaluated: 2020-03-18. Review status: criteria provided, single submitter. Criteria: Invitae Variant Classification Sherloc (09022015). Collection method: clinical testing. Allele origin: germline.
Comment: This variant is an out-of-frame deletion of the genomic region encompassing exon(s) 15-16 of the VCL gene. This is expected to create a premature translational stop signal and result in an absent or disrupted protein product. This variant has not been reported in the literature in individuals with VCL-related conditions. The current clinical and genetic evidence is not sufficient to establish whether loss-of-function variants in VCL cause disease. In summary, the available evidence is currently insufficient to determine the role of this variant in disease. Therefore, it has been classified as a Variant of Uncertain Significance.